The following is an entry in ClinVar:

ClinVar aggregate classification (germline): Likely benign (1 of 4 stars; one submission).

Conditions:
TRAF7-related disorder. Also called: TRAF7-related condition.

gnomAD v4.1: 30 of 1,613,192 alleles (0.0019%); highest among the groups gnomAD compares: Non-Finnish European, 0.0019%; no homozygotes.

Submission:

PreventionGenetics, part of Exact Sciences
Classification: Likely benign for TRAF7-related condition. Last evaluated: 2024-11-20. Review status: criteria provided, single submitter. Criteria: ACMG Guidelines, 2015. Collection method: clinical testing. Allele origin: germline.
Comment: This variant is classified as likely benign based on ACMG/AMP sequence variant interpretation guidelines (Richards et al. 2015 PMID: 25741868, with internal and published modifications).

NM_032271.3(TRAF7):c.1504-3C>T

Gene: TRAF7 (TNF receptor associated factor 7; plus strand). Cytogenetic location: 16p13.3.
Variant type: single nucleotide variant.
Coding change: c.1504-3C>T on transcript NM_032271.3 (MANE Select); 3 bases into the intron before coding-DNA position 1504, C replaced by T.
Molecular consequence: intron variant.
Genome position (GRCh38, 1-based): chr16:2,175,497, C>T. VCF-style: chr16-2175497-C-T. GRCh37 (hg19) VCF-style: chr16-2225498-C-T.
Identifiers: ClinVar variation 4984827 (VCV004984827.1).
Genomic context (GRCh38, chr16:2,175,497, plus strand): 5'-CTACGTGTGTGTCACTGAGGCGTCCCTTGCCCGCCCAGCCCACAGTTGCAGCAATCCCTG[C>T]AGGTCTGGGACATCGTGGGCACTGAGCTGAAGTTGAAGAAGGAGCTCACAGGCCTCAACC-3'